The following is an entry in ClinVar:

NM_001161352.2(KCNMA1):c.2305A>G (p.Lys769Glu)

Genes: KCNMA1 (potassium calcium-activated channel subfamily M alpha 1; minus strand), KCNMA1-AS1 (KCNMA1 antisense RNA 1; plus strand). Cytogenetic location: 10q22.3.
Variant type: single nucleotide variant.
Coding change: c.2305A>G on transcript NM_001161352.2 (MANE Select); coding-DNA position 2305, A replaced by G.
Protein change: p.Lys769Glu; replaces lysine 769 with glutamic acid.
Molecular consequence: missense variant.
Genome position (GRCh38, 1-based): chr10:76,970,029, T>C on the plus strand (A>G on the coding strand, the complement: KCNMA1 is on the minus strand). VCF-style: chr10-76970029-T-C. GRCh37 (hg19) VCF-style: chr10-78729787-T-C.
Other names: c.2143A>G, p.Lys715Glu (NM_001014797.3, NM_001322835.2, NM_001322837.2); c.2131A>G, p.Lys711Glu (NM_001161353.2, NM_001322832.2, NM_001410940.1 and 1 more transcripts); c.1981A>G, p.Lys661Glu (NM_001271518.2); c.2140A>G, p.Lys714Glu (NM_001271519.2, NM_001322829.2, NM_001322836.2); c.2152A>G, p.Lys718Glu (NM_001322830.2); c.1678A>G, p.Lys560Glu (NM_001322838.2); short protein forms K714E, K715E, K769E, K711E, K718E, K560E, K661E.
Identifiers: ClinVar variation 2231002 (VCV002231002.3), dbSNP rs2550731951, ClinGen allele CA377408425.

ClinVar aggregate classification (germline): Uncertain significance. Review status: criteria provided, multiple submitters, no conflicts (2 of 4 stars). 2 submissions from 2 submitters: Uncertain significance (2). Last evaluated 2023-11-11.

Conditions:
Inborn genetic diseases. Identifiers: MedGen C0950123, MeSH D030342.

Submissions (2):

GeneDx
Classification: Uncertain significance. Last evaluated: 2023-11-11. Review status: criteria provided, single submitter. Criteria: GeneDx Variant Classification Process June 2021. Collection method: clinical testing. Allele origin: germline. Affected: yes.
Comment: Not observed at significant frequency in large population cohorts (gnomAD); In silico analysis supports that this missense variant does not alter protein structure/function; Has not been previously published as pathogenic or benign to our knowledge

Ambry Genetics
Classification: Uncertain significance for Inborn genetic diseases. Last evaluated: 2021-06-06. Review status: criteria provided, single submitter. Criteria: Ambry Variant Classification Scheme 2023. Collection method: clinical testing. Allele origin: germline.